The following is an entry in ClinVar:

ClinVar aggregate classification (germline): Likely benign. Review status: criteria provided, multiple submitters, no conflicts (2 of 4 stars). 3 submissions from 3 submitters: Likely benign (3). Last evaluated 2025-06-15.

Conditions:
Long QT syndrome (LQTS). Identifiers: MedGen C0023976, MeSH D008133, MONDO:0002442. Disease mechanism: loss of function. Inheritance: Various modes of inheritance.
Cardiovascular phenotype. Identifiers: MedGen CN230736.

Allele frequency attached by ClinVar (database versions not stated): gnomAD 0.00001; TOPMed 0.00001.
gnomAD v4.1: 1 of 1,609,608 alleles (0.000062%); highest among the groups gnomAD compares: Non-Finnish European, 0.000085%; no homozygotes.

Submissions (3):

Labcorp Genetics (formerly Invitae), Labcorp
Classification: Likely benign for Long QT syndrome. Last evaluated: 2025-06-15. Review status: criteria provided, single submitter. Criteria: Invitae Variant Classification Sherloc (09022015). Collection method: clinical testing. Allele origin: germline.

Ambry Genetics
Classification: Likely benign for Cardiovascular phenotype. Last evaluated: 2025-05-05. Review status: criteria provided, single submitter. Criteria: Ambry Variant Classification Scheme 2023. Collection method: clinical testing. Allele origin: germline.

GeneDx
Classification: Likely benign. Last evaluated: 2017-10-18. Review status: criteria provided, single submitter. Criteria: GeneDx Variant Classification (06012015). Collection method: clinical testing. Allele origin: germline. Affected: yes.
Comment: This variant is considered likely benign or benign based on one or more of the following criteria: it is a conservative change, it occurs at a poorly conserved position in the protein, it is predicted to be benign by multiple in silico algorithms, and/or has population frequency not consistent with disease.

NM_000719.7(CACNA1C):c.1356G>A (p.Glu452=)

Gene: CACNA1C (calcium voltage-gated channel subunit alpha1 C; plus strand). Cytogenetic location: 12p13.33.
Variant type: single nucleotide variant.
Coding change: c.1356G>A on transcript NM_000719.7 (MANE Select); coding-DNA position 1356, G replaced by A.
Protein change: p.Glu452=; no amino-acid change (glutamic acid 452 retained).
Molecular consequence: synonymous variant.
Genome position (GRCh38, 1-based): chr12:2,512,950, G>A. VCF-style: chr12-2512950-G-A. GRCh37 (hg19) VCF-style: chr12-2622116-G-A.
Other names: c.1356G>A, p.Glu452= (NM_001129827.2, NM_001129829.2, NM_001129830.3 and 18 more transcripts); c.1347G>A, p.Glu449= (NM_001129844.2).
Identifiers: ClinVar variation 512721 (VCV000512721.11), dbSNP rs1257737700, ClinGen allele CA477878132.
Genomic context (GRCh38, chr12:2,512,950, plus strand): 5'-GGATCTCAAAGGCTACCTGGATTGGATCACTCAGGCCGAAGACATCGATCCTGAGAATGA[G>A]GACGAAGGCATGGATGAGGAGAAGCCCCGAAACAGTGAGCAGCCGTCTTCTTCTGTGTTT-3'
Protein context (NP_000710.5, residues 442-462): TQAEDIDPEN[Glu452=]DEGMDEEKPR